The following is an entry in ClinVar:

ClinVar aggregate classification (germline): Uncertain significance (1 of 4 stars; one submission).

Submission:

Laboratorio de Genetica e Diagnostico Molecular, Hospital Israelita Albert Einstein
Classification: Uncertain significance. Last evaluated: 2021-08-19. Review status: criteria provided, single submitter. Criteria: ACMG Guidelines, 2015. Collection method: clinical testing. Allele origin: germline. Affected: yes.
Comment: ACMG classification criteria: PM2, PP2, BP4

NM_001385012.1(NBEA):c.20G>A (p.Gly7Asp)

Gene: NBEA (neurobeachin; plus strand). Cytogenetic location: 13q13.3.
Variant type: single nucleotide variant.
Coding change: c.20G>A on transcript NM_001385012.1 (MANE Select); coding-DNA position 20, G replaced by A.
Protein change: p.Gly7Asp; replaces glycine 7 with aspartic acid.
Molecular consequence: missense variant.
Genome position (GRCh38, 1-based): chr13:34,942,840, G>A. VCF-style: chr13-34942840-G-A. GRCh37 (hg19) VCF-style: chr13-35516977-G-A.
Other names: c.20G>A, p.Gly7Asp (NM_001379245.1, NM_015678.5); short protein forms G7D.
Identifiers: ClinVar variation 1691037 (VCV001691037.2), dbSNP rs2059070502, ClinGen allele CA387831638.